The following is an entry in ClinVar:

NM_005560.6(LAMA5):c.5460C>T (p.Gly1820=)

Gene: LAMA5 (laminin subunit alpha 5; minus strand). Cytogenetic location: 20q13.33.
Variant type: single nucleotide variant.
Coding change: c.5460C>T on transcript NM_005560.6 (MANE Select); coding-DNA position 5460, C replaced by T.
Protein change: p.Gly1820=; no amino-acid change (glycine 1820 retained).
Molecular consequence: synonymous variant.
Genome position (GRCh38, 1-based): chr20:62,325,385, G>A on the plus strand (C>T on the coding strand, the complement: LAMA5 is on the minus strand). VCF-style: chr20-62325385-G-A. GRCh37 (hg19) VCF-style: chr20-60900441-G-A.
Identifiers: ClinVar variation 504303 (VCV000504303.2), dbSNP rs1555876117, ClinGen allele CA511122642.

ClinVar aggregate classification (germline): Uncertain significance (1 of 4 stars; one submission).

Submission:

GeneDx
Classification: Uncertain significance. Last evaluated: 2018-02-20. Review status: criteria provided, single submitter. Criteria: GeneDx Variant Classification (06012015). Collection method: clinical testing. Allele origin: germline. Affected: yes.
Comment: The c.5460 C>T variant in the LAMA5 gene has not been reported previously as a pathogenic variant nor as a benign variant, to our knowledge. The c.5460 C>T represents a synonymous amino acid substitution, and algorithms predict this nucleotide substitution creates a cryptic splice donor site upstream of the natural splice donor site in intron 41. However, in the absence of RNA/functional studies, the actual effect of c.5460 C>T in this individual is unknown. The c.5460 C>T variant is not observed in large population cohorts (Lek et al., 2016). We interpret c.5460 C>T as a variant of uncertain significance,